The following is an entry in ClinVar:

NM_018255.4(ELP2):c.1627A>C (p.Thr543Pro)

Gene: ELP2 (elongator acetyltransferase complex subunit 2; plus strand). Cytogenetic location: 18q12.2.
Variant type: single nucleotide variant.
Coding change: c.1627A>C on transcript NM_018255.4 (MANE Select); coding-DNA position 1627, A replaced by C.
Protein change: p.Thr543Pro; replaces threonine 543 with proline.
Molecular consequence: missense variant. On other transcripts: non-coding transcript variant (4).
Genome position (GRCh38, 1-based): chr18:36,159,827, A>C. VCF-style: chr18-36159827-A-C. GRCh37 (hg19) VCF-style: chr18-33739790-A-C.
Other names: c.1822A>C, p.Thr608Pro (NM_001242875.3); c.1612A>C, p.Thr538Pro (NM_001242876.3); c.1549A>C, p.Thr517Pro (NM_001242877.3); c.1417A>C, p.Thr473Pro (NM_001242878.3, NM_001242879.3); c.1495A>C, p.Thr499Pro (NM_001324465.2); c.1744A>C, p.Thr582Pro (NM_001324466.2); c.1477A>C, p.Thr493Pro (NM_001324467.2); c.1180A>C, p.Thr394Pro (NM_001324468.2); short protein forms T499P, T517P, T543P, T394P, T582P, T493P, T538P, T473P.
Identifiers: ClinVar variation 787465 (VCV000787465.29), dbSNP rs17563617, ClinGen allele CA8940018.

ClinVar aggregate classification (germline): Benign/Likely benign. Review status: criteria provided, multiple submitters, no conflicts (2 of 4 stars). 3 submissions from 3 submitters: Benign (2); Likely benign (1). Last evaluated 2025-08-01.

Allele frequency attached by ClinVar (database versions not stated): ExAC 0.00134; gnomAD 0.00389 and 0.00410; ESP Exome Variant Server 0.00408; TOPMed 0.00416; 1000 Genomes Project 0.00519; 1000 Genomes Project 30x 0.00531.
gnomAD v4.1: 1,212 of 1,613,416 alleles (0.075%); highest among the groups gnomAD compares: African/African-American, 1.3%; 10 homozygotes.

Submissions (3):

CeGaT Center for Human Genetics Tuebingen
Classification: Likely benign. Last evaluated: 2025-08-01. Review status: criteria provided, single submitter. Criteria: CeGaT Center For Human Genetics Tuebingen Variant Classification Criteria Version 2. Collection method: clinical testing. Allele origin: germline. Affected: yes. Observed: 5 variant alleles.
Comment: ELP2: BP4, BS1

Labcorp Genetics (formerly Invitae), Labcorp
Classification: Benign. Last evaluated: 2019-12-31. Review status: criteria provided, single submitter. Criteria: Invitae Variant Classification Sherloc (09022015). Collection method: clinical testing. Allele origin: germline.

Breakthrough Genomics
Classification: Benign. Review status: criteria provided, single submitter. Criteria: ACMG Guidelines, 2015. Collection method: not provided. Allele origin: germline. Inheritance: Autosomal recessive inheritance. Affected: yes.